The following is an entry in ClinVar:

ClinVar aggregate classification (germline): Uncertain significance. Review status: criteria provided, multiple submitters, no conflicts (2 of 4 stars). 3 submissions from 3 submitters: Uncertain significance (3). Last evaluated 2026-09-01.

Conditions:
Cardiovascular phenotype. Identifiers: MedGen CN230736.
Dilated cardiomyopathy 1J (CMD1J). Also called: CARDIOMYOPATHY, DILATED, WITH SENSORINEURAL HEARING LOSS, AUTOSOMAL DOMINANT. Identifiers: Orphanet 217622, MedGen C1854368, MONDO:0011541, OMIM 605362.

Allele frequency attached by ClinVar (database versions not stated): gnomAD 0.00001; gnomAD exomes 0.00001 and 0.00003; ExAC 0.00002; TOPMed 0.00002.
gnomAD v4.1: 39 of 1,613,828 alleles (0.0024%); highest among the groups gnomAD compares: Non-Finnish European, 0.0032%; no homozygotes.

Submissions (3):

CeGaT Center for Human Genetics Tuebingen
Classification: Uncertain significance. Last evaluated: 2026-09-01. Review status: criteria provided, single submitter. Criteria: CeGaT Center For Human Genetics Tuebingen Variant Classification Criteria Version 2. Collection method: clinical testing. Allele origin: germline. Affected: yes. Observed: 1 variant allele.
Comment: EYA4: PM2:Supporting, PP3, PS4:Supporting

Labcorp Genetics (formerly Invitae), Labcorp
Classification: Uncertain significance for Dilated cardiomyopathy 1J. Last evaluated: 2024-09-14. Review status: criteria provided, single submitter. Criteria: Invitae Variant Classification Sherloc (09022015). Collection method: clinical testing. Allele origin: germline.
Comment: This sequence change replaces proline, which is neutral and non-polar, with threonine, which is neutral and polar, at codon 360 of the EYA4 protein (p.Pro360Thr). This variant is present in population databases (rs765773822, gnomAD 0.003%). This missense change has been observed in individual(s) with sensorineural deafness (PMID: 32277154). ClinVar contains an entry for this variant (Variation ID: 264336). Invitae Evidence Modeling of protein sequence and biophysical properties (such as structural, functional, and spatial information, amino acid conservation, physicochemical variation, residue mobility, and thermodynamic stability) indicates that this missense variant is not expected to disrupt EYA4 protein function with a negative predictive value of 80%. In summary, the available evidence is currently insufficient to determine the role of this variant in disease. Therefore, it has been classified as a Variant of Uncertain Significance.

Ambry Genetics
Classification: Uncertain significance for Cardiovascular phenotype. Last evaluated: 2015-09-10. Review status: criteria provided, single submitter. Criteria: Ambry Variant Classification Scheme 2023. Collection method: clinical testing. Allele origin: germline.
Comment: The p.P360T variant (also known as c.1078C>A), located in coding exon 11 of the EYA4 gene, results from a C to A substitution at nucleotide position 1078. The proline at codon 360 is replaced by threonine, an amino acid with highly similar properties. This amino acid position is highly conserved in available vertebrate species. In addition, the in silico prediction for this alteration is inconclusive. Since supporting evidence is limited at this time, the clinical significance of this alteration remains unclear.

Literature cited by the submitters: PubMed 32277154 (cited by Labcorp Genetics (formerly Invitae), Labcorp).

NM_004100.5(EYA4):c.1078C>A (p.Pro360Thr)

Gene: EYA4 (EYA transcriptional coactivator and phosphatase 4; plus strand). Cytogenetic location: 6q23.2.
Variant type: single nucleotide variant.
Coding change: c.1078C>A on transcript NM_004100.5 (MANE Select); coding-DNA position 1078, C replaced by A.
Protein change: p.Pro360Thr; replaces proline 360 with threonine.
Molecular consequence: missense variant.
Genome position (GRCh38, 1-based): chr6:133,481,570, C>A. VCF-style: chr6-133481570-C-A. GRCh37 (hg19) VCF-style: chr6-133802708-C-A.
Other names: c.916C>A, p.Pro306Thr (NM_001301012.2); c.1096C>A, p.Pro366Thr (NM_001301013.2); c.1009C>A, p.Pro337Thr (NM_001370458.1, NM_172103.4); c.934C>A, p.Pro312Thr (NM_001370459.1); c.1078C>A, p.Pro360Thr (NM_172105.4); short protein forms P360T, P337T, P366T, P312T, P306T.
Identifiers: ClinVar variation 264336 (VCV000264336.11), dbSNP rs765773822, ClinGen allele CA4008233.